The following is an entry in ClinVar:

ClinVar aggregate classification (germline): Uncertain significance (1 of 4 stars; one submission).

Submission:

GeneDx
Classification: Uncertain significance. Last evaluated: 2025-02-11. Review status: criteria provided, single submitter. Criteria: GeneDx Variant Classification Process June 2021. Collection method: clinical testing. Allele origin: germline. Affected: yes.
Comment: Not observed at significant frequency in large population cohorts (gnomAD); In silico analysis supports that this missense variant has a deleterious effect on protein structure/function; Has not been previously published as pathogenic or benign to our knowledge

NM_018714.3(COG1):c.1684G>A (p.Asp562Asn)

Gene: COG1 (component of oligomeric golgi complex 1; plus strand). Cytogenetic location: 17q25.1.
Variant type: single nucleotide variant.
Coding change: c.1684G>A on transcript NM_018714.3 (MANE Select); coding-DNA position 1684, G replaced by A.
Protein change: p.Asp562Asn; replaces aspartic acid 562 with asparagine.
Molecular consequence: missense variant.
Genome position (GRCh38, 1-based): chr17:73,201,511, G>A. VCF-style: chr17-73201511-G-A. GRCh37 (hg19) VCF-style: chr17-71197650-G-A.
Other names: short protein forms D562N.
Identifiers: ClinVar variation 4074335 (VCV004074335.1).
Genomic context (GRCh38, chr17:73,201,511, plus strand): 5'-TCACTGCCCAAGGACGTTTCTCCCACACAGGCCAAGAGTTCTGCCTTTGACAGATACGCA[G>A]ATGCGGGGACCGTGCAGGAGATGCTGCGGACTCAGTCCGTGGCATGCATCAAGCACATCG-3'
Protein context (NP_061184.1, residues 552-572): AKSSAFDRYA[Asp562Asn]AGTVQEMLRT